The following is an entry in ClinVar:

ClinVar aggregate classification (germline): Conflicting classifications of pathogenicity. Review status: criteria provided, conflicting classifications (1 of 4 stars). 5 submissions from 5 submitters: Uncertain significance (4); Benign (1). Last evaluated 2023-12-26.

Conditions:
Systemic lupus erythematosus (SLE). Identifiers: Orphanet 536, MedGen C0024141, MONDO:0007915, OMIM 152700, HP:0002725.

Allele frequency attached by ClinVar (database versions not stated): ESP Exome Variant Server 0.00108; gnomAD 0.00153 and 0.00163; TOPMed 0.00182; 1000 Genomes Project 30x 0.00344; 1000 Genomes Project 0.00359.
gnomAD v4.1: 2,142 of 1,614,008 alleles (0.13%); highest among the groups gnomAD compares: South Asian, 0.35%; 9 homozygotes.

Submissions (5):

Clinical Genomics Laboratory, Washington University in St. Louis
Classification: Uncertain significance for Systemic lupus erythematosus. Last evaluated: 2023-12-26. Review status: criteria provided, single submitter. Criteria: ACMG Guidelines, 2015. Collection method: clinical testing. Allele origin: germline. Affected: yes.
Comment: The DNASE1 c.619C>T (p.Arg207Cys) variant, to our knowledge, has not been reported in the medical literature. The highest population minor allele frequency in the population database genome aggregation database (v.2.1.1) is 0.36% in the South Asian population, which is higher than the expected incidence of systemic lupus erythematosus. Computational predictors are uncertain as to the impact of this variant on DNASE1 function. This variant has been reported in the ClinVar database as a germline variant by two submitters, one as a variant of uncertain significance and one as benign due to the high allele frequency. Due to limited information, and based on ACMG/AMP guidelines for variant interpretation (Richards S et al., PMID: 25741868), the clinical significance of this variant is uncertain at this time.

Department of Pathology and Laboratory Medicine, Sinai Health System
Classification: Uncertain significance for Systemic lupus erythematosus. Last evaluated: 2023-03-02. Review status: criteria provided, single submitter. Criteria: ACMG Guidelines, 2015. Collection method: research. Allele origin: germline.

CeGaT Center for Human Genetics Tuebingen
Classification: Benign. Last evaluated: 2022-05-01. Review status: criteria provided, single submitter. Criteria: CeGaT Center For Human Genetics Tuebingen Variant Classification Criteria Version 2. Collection method: clinical testing. Allele origin: germline. Affected: yes. Observed: 2 variant alleles.
Comment: DNASE1: BS1, BS2

Genomic Diagnostic Laboratory, Division of Genomic Diagnostics, Children's Hospital of Philadelphia
Classification: Uncertain significance. Last evaluated: 2015-10-13. Review status: criteria provided, single submitter. Criteria: DGD Variant Analysis Guidelines. Collection method: clinical testing. Allele origin: unknown.

Breakthrough Genomics
Classification: Uncertain significance. Review status: criteria provided, single submitter. Criteria: ACMG Guidelines, 2015. Collection method: not provided. Allele origin: germline. Inheritance: Autosomal dominant inheritance. Affected: yes.

NM_005223.4(DNASE1):c.619C>T (p.Arg207Cys)

Gene: DNASE1 (deoxyribonuclease 1; plus strand). Cytogenetic location: 16p13.3.
Variant type: single nucleotide variant.
Coding change: c.619C>T on transcript NM_005223.4 (MANE Select); coding-DNA position 619, C replaced by T.
Protein change: p.Arg207Cys; replaces arginine 207 with cysteine.
Molecular consequence: missense variant. On other transcripts: non-coding transcript variant (2).
Genome position (GRCh38, 1-based): chr16:3,657,256, C>T. VCF-style: chr16-3657256-C-T. GRCh37 (hg19) VCF-style: chr16-3707257-C-T.
Other names: c.619C>T, p.Arg207Cys (NM_001351825.2, NM_001387135.1, NM_001387140.1); c.688C>T, p.Arg230Cys (NM_001387139.1); c.412C>T, p.Arg138Cys (NM_001387141.1); short protein forms R207C, R138C, R230C.
Identifiers: ClinVar variation 252650 (VCV000252650.29), dbSNP rs148373909, ClinGen allele CA7867400.